The following is an entry in ClinVar:

NM_000304.4(PMP22):c.338C>T (p.Ala113Val)

Gene: PMP22 (peripheral myelin protein 22; minus strand). Cytogenetic location: 17p12.
Variant type: single nucleotide variant.
Coding change: c.338C>T on transcript NM_000304.4 (MANE Select); coding-DNA position 338, C replaced by T.
Protein change: p.Ala113Val; replaces alanine 113 with valine.
Molecular consequence: missense variant. On other transcripts: non-coding transcript variant (2).
Genome position (GRCh38, 1-based): chr17:15,231,062, G>A on the plus strand (C>T on the coding strand, the complement: PMP22 is on the minus strand). VCF-style: chr17-15231062-G-A. GRCh37 (hg19) VCF-style: chr17-15134379-G-A.
Other names: c.338C>T, p.Ala113Val (NM_001281455.2, NM_001281456.2, NM_153321.3 and 1 more transcripts); short protein forms A113V.
Identifiers: ClinVar variation 448090 (VCV000448090.6), dbSNP rs774831750, ClinGen allele CA8403319.
Genomic context (GRCh38, chr17:15,231,062, plus strand): 5'-CCGTAGGAGTAATCCGAGTTGAGATGCCACTCCGGGTGCCTCACCGTGTAGATGGCCGCA[G>A]CACTCATCACGCACAGACCTGGGGAAGGAGAGGGACAAGCTGGGTGACGGAGAGTCCATG-3'
Protein context (NP_000295.1, residues 103-123): QILAGLCVMS[Ala113Val]AAIYTVRHPE

ClinVar aggregate classification (germline): Uncertain significance. Review status: criteria provided, multiple submitters, no conflicts (2 of 4 stars). 2 submissions from 2 submitters: Uncertain significance (2). Last evaluated 2018-08-26.

Conditions:
Charcot-Marie-Tooth disease, type I (CMT1). Also called: Charcot-Marie-Tooth disease type 1; Charcot-Marie-Tooth, Type 1. Identifiers: Orphanet 65753, MedGen C0751036, MONDO:0019011.

Allele frequency attached by ClinVar (database versions not stated): gnomAD exomes below 0.00001; TOPMed below 0.00001; ExAC 0.00001.
gnomAD v4.1: 2 of 1,613,904 alleles (0.00012%); highest among the groups gnomAD compares: East Asian, 0.0045%; no homozygotes.

Submissions (2):

Labcorp Genetics (formerly Invitae), Labcorp
Classification: Uncertain significance for Charcot-Marie-Tooth disease, type I. Last evaluated: 2018-08-26. Review status: criteria provided, single submitter. Criteria: Invitae Variant Classification Sherloc (09022015). Collection method: clinical testing. Allele origin: germline.
Comment: This sequence change replaces alanine with valine at codon 113 of the PMP22 protein (p.Ala113Val). The alanine residue is moderately conserved and there is a small physicochemical difference between alanine and valine. In summary, the available evidence is currently insufficient to determine the role of this variant in disease. Therefore, it has been classified as a Variant of Uncertain Significance. Algorithms developed to predict the effect of missense changes on protein structure and function are either unavailable or do not agree on the potential impact of this missense change (SIFT: "Deleterious"; PolyPhen-2: "Benign"; Align-GVGD: "Class C15"). This variant has not been reported in the literature in individuals with PMP22-related disease. ClinVar contains an entry for this variant (Variation ID: 448090). This variant is present in population databases (rs774831750, ExAC 0.01%).

Athena Diagnostics
Classification: Uncertain significance. Last evaluated: 2016-12-30. Review status: criteria provided, single submitter. Criteria: Athena Diagnostics Criteria. Collection method: clinical testing. Allele origin: germline.